The following is an entry in ClinVar:

NM_005499.3(UBA2):c.11C>G (p.Ser4Trp)

Genes: UBA2 (ubiquitin like modifier activating enzyme 2; plus strand), LOC130064190 (ATAC-STARR-seq lymphoblastoid silent region 10502; plus strand). Cytogenetic location: 19q13.11.
Variant type: single nucleotide variant.
Coding change: c.11C>G on transcript NM_005499.3 (MANE Select); coding-DNA position 11, C replaced by G.
Protein change: p.Ser4Trp; replaces serine 4 with tryptophan.
Molecular consequence: missense variant.
Genome position (GRCh38, 1-based): chr19:34,428,443, C>G. VCF-style: chr19-34428443-C-G. GRCh37 (hg19) VCF-style: chr19-34919348-C-G.
Other names: c.-372C>G (NM_001411139.1); short protein forms S4W.
Identifiers: ClinVar variation 2346623 (VCV002346623.3), dbSNP rs567960411, ClinGen allele CA9367888.

ClinVar aggregate classification (germline): Uncertain significance (1 of 4 stars; one submission).

Conditions:
Inborn genetic diseases. Identifiers: MedGen C0950123, MeSH D030342.

Allele frequency attached by ClinVar (database versions not stated): ExAC 0.00076; 1000 Genomes Project 0.00020; 1000 Genomes Project 30x 0.00016.
gnomAD v4.1: 726 of 1,273,228 alleles (0.057%); highest among the groups gnomAD compares: Non-Finnish European, 0.069%; no homozygotes.

Submission:

Ambry Genetics
Classification: Uncertain significance for Inborn genetic diseases. Last evaluated: 2026-06-24. Review status: criteria provided, single submitter. Criteria: Ambry Variant Classification Scheme 2023. Collection method: clinical testing. Allele origin: germline.
Comment: The c.11C>G (p.S4W) alteration is located in exon 1 (coding exon 1) of the UBA2 gene. This alteration results from a C to G substitution at nucleotide position 11, causing the serine (S) at amino acid position 4 to be replaced by a tryptophan (W). Based on data from gnomAD, the G allele has an overall frequency of 0.028% (24/85270) total alleles studied. The highest observed frequency was 0.052% (24/45974) of European (non-Finnish) alleles. Based on insufficient or conflicting evidence, the clinical significance of this alteration remains unclear.